The following is an entry in ClinVar:

ClinVar aggregate classification (germline): Uncertain significance (1 of 4 stars; one submission).

Allele frequency attached by ClinVar (database versions not stated): gnomAD exomes below 0.00001.
gnomAD v4.1: 8 of 1,614,184 alleles (0.0005%); highest among the groups gnomAD compares: East Asian, 0.0045%; no homozygotes.

Submission:

Labcorp Genetics (formerly Invitae), Labcorp
Classification: Uncertain significance. Last evaluated: 2022-10-23. Review status: criteria provided, single submitter. Criteria: Invitae Variant Classification Sherloc (09022015). Collection method: clinical testing. Allele origin: germline.
Comment: This sequence change replaces isoleucine, which is neutral and non-polar, with valine, which is neutral and non-polar, at codon 2962 of the TRRAP protein (p.Ile2962Val). The frequency data for this variant in the population databases is considered unreliable, as metrics indicate poor data quality at this position in the gnomAD database. This variant has not been reported in the literature in individuals affected with TRRAP-related conditions. Advanced modeling of protein sequence and biophysical properties (such as structural, functional, and spatial information, amino acid conservation, physicochemical variation, residue mobility, and thermodynamic stability) performed at Invitae indicates that this missense variant is not expected to disrupt TRRAP protein function. In summary, the available evidence is currently insufficient to determine the role of this variant in disease. Therefore, it has been classified as a Variant of Uncertain Significance.

NM_001375524.1(TRRAP):c.8959A>G (p.Ile2987Val)

Gene: TRRAP (transformation/transcription domain associated protein; plus strand). Cytogenetic location: 7q22.1.
Variant type: single nucleotide variant.
Coding change: c.8959A>G on transcript NM_001375524.1 (MANE Select); coding-DNA position 8959, A replaced by G.
Protein change: p.Ile2987Val; replaces isoleucine 2987 with valine.
Molecular consequence: missense variant.
Genome position (GRCh38, 1-based): chr7:98,983,396, A>G. VCF-style: chr7-98983396-A-G. GRCh37 (hg19) VCF-style: chr7-98581019-A-G.
Other names: c.8938A>G, p.Ile2980Val (NM_001244580.2); c.8884A>G, p.Ile2962Val (NM_003496.4); short protein forms I2962V, I2980V, I2987V.
Identifiers: ClinVar variation 1722090 (VCV001722090.5), dbSNP rs1441812381, ClinGen allele CA368313910.